The following is an entry in ClinVar:

NM_001267550.2(TTN):c.96920A>G (p.Asp32307Gly)

Genes: TTN (titin; minus strand), TTN-AS1 (TTN antisense RNA 1; plus strand), LOC126806421 (CDK7 strongly-dependent group 2 enhancer GRCh37_chr2:179407630-179408829; plus strand). Cytogenetic location: 2q31.2.
Variant type: single nucleotide variant.
Coding change: c.96920A>G on transcript NM_001267550.2 (MANE Select); coding-DNA position 96920, A replaced by G.
Protein change: p.Asp32307Gly; replaces aspartic acid 32307 with glycine.
Molecular consequence: missense variant.
Genome position (GRCh38, 1-based): chr2:178,542,934, T>C on the plus strand (A>G on the coding strand, the complement: TTN is on the minus strand). VCF-style: chr2-178542934-T-C. GRCh37 (hg19) VCF-style: chr2-179407661-T-C.
Other names: c.91997A>G, p.Asp30666Gly (NM_001256850.1); c.69725A>G, p.Asp23242Gly (NM_003319.4); c.89216A>G, p.Asp29739Gly (NM_133378.4); c.70100A>G, p.Asp23367Gly (NM_133432.3); c.70301A>G, p.Asp23434Gly (NM_133437.4); short protein forms D23242G, D23367G, D23434G, D29739G, D30666G, D32307G.
Identifiers: ClinVar variation 4282377 (VCV004282377.1).

ClinVar aggregate classification (germline): Uncertain significance (1 of 4 stars; one submission).

gnomAD v4.1: 10 of 1,602,400 alleles (0.00062%); highest among the groups gnomAD compares: African/African-American, 0.012%; no homozygotes.

Submission:

GeneDx
Classification: Uncertain significance. Last evaluated: 2025-04-08. Review status: criteria provided, single submitter. Criteria: GeneDx Variant Classification Process June 2021. Collection method: clinical testing. Allele origin: germline. Affected: yes.
Comment: Has not been previously published as pathogenic or benign to our knowledge; Not observed at significant frequency in large population cohorts (gnomAD); Missense variant in a gene in which most reported pathogenic variants are truncating/loss of function